The following is an entry in ClinVar:

NM_001271.4(CHD2):c.486A>C (p.Gln162His)

Gene: CHD2 (chromodomain helicase DNA binding protein 2; plus strand). Cytogenetic location: 15q26.1.
Variant type: single nucleotide variant.
Coding change: c.486A>C on transcript NM_001271.4 (MANE Select); coding-DNA position 486, A replaced by C.
Protein change: p.Gln162His; replaces glutamine 162 with histidine.
Molecular consequence: missense variant.
Genome position (GRCh38, 1-based): chr15:92,937,560, A>C. VCF-style: chr15-92937560-A-C. GRCh37 (hg19) VCF-style: chr15-93480790-A-C.
Other names: c.486A>C, p.Gln162His (NM_001042572.3); short protein forms Q162H.
Identifiers: ClinVar variation 658571 (VCV000658571.7), dbSNP rs1018764419, ClinGen allele CA274866657.

ClinVar aggregate classification (germline): Uncertain significance (1 of 4 stars; one submission).

Conditions:
Developmental and epileptic encephalopathy 94 (DEE94). Also called: Epileptic encephalopathy, childhood-onset; CHD2-Related Neurodevelopmental Disorders. Identifiers: Orphanet 1942, Orphanet 2382, MedGen C3809278, MONDO:0014150, OMIM 615369.

Allele frequency attached by ClinVar (database versions not stated): gnomAD exomes below 0.00001; gnomAD 0.00001; TOPMed 0.00002.
gnomAD v4.1: 3 of 1,613,546 alleles (0.00019%); highest among the groups gnomAD compares: Non-Finnish European, 0.00025%; no homozygotes.

Submission:

Labcorp Genetics (formerly Invitae), Labcorp
Classification: Uncertain significance for Developmental and epileptic encephalopathy 94. Last evaluated: 2024-10-23. Review status: criteria provided, single submitter. Criteria: Invitae Variant Classification Sherloc (09022015). Collection method: clinical testing. Allele origin: germline.
Comment: This sequence change replaces glutamine, which is neutral and polar, with histidine, which is basic and polar, at codon 162 of the CHD2 protein (p.Gln162His). This variant is present in population databases (no rsID available, gnomAD 0.0009%). This variant has not been reported in the literature in individuals affected with CHD2-related conditions. ClinVar contains an entry for this variant (Variation ID: 658571). Invitae Evidence Modeling of protein sequence and biophysical properties (such as structural, functional, and spatial information, amino acid conservation, physicochemical variation, residue mobility, and thermodynamic stability) indicates that this missense variant is not expected to disrupt CHD2 protein function with a negative predictive value of 95%. In summary, the available evidence is currently insufficient to determine the role of this variant in disease. Therefore, it has been classified as a Variant of Uncertain Significance.